The following is an entry in ClinVar:

ClinVar aggregate classification (germline): Likely pathogenic (1 of 4 stars; one submission).

Submission:

GeneDx
Classification: Likely pathogenic. Last evaluated: 2019-10-02. Review status: criteria provided, single submitter. Criteria: GeneDx Variant Classification Process June 2021. Collection method: clinical testing. Allele origin: germline. Affected: yes.
Comment: Not observed in large population cohorts (Lek et al., 2016); In silico analysis, which includes protein predictors and evolutionary conservation, supports a deleterious effect; Has not been previously published as pathogenic or benign to our knowledge

NM_001205293.3(CACNA1E):c.827G>A (p.Gly276Asp)

Gene: CACNA1E (calcium voltage-gated channel subunit alpha1 E; plus strand). Cytogenetic location: 1q25.3.
Variant type: single nucleotide variant.
Coding change: c.827G>A on transcript NM_001205293.3 (MANE Select); coding-DNA position 827, G replaced by A.
Protein change: p.Gly276Asp; replaces glycine 276 with aspartic acid.
Molecular consequence: missense variant.
Genome position (GRCh38, 1-based): chr1:181,580,652, G>A. VCF-style: chr1-181580652-G-A. GRCh37 (hg19) VCF-style: chr1-181549788-G-A.
Other names: c.827G>A, p.Gly276Asp (NM_000721.4, NM_001205294.2); short protein forms G276D.
Identifiers: ClinVar variation 1183054 (VCV001183054.2), dbSNP rs2102980705, ClinGen allele CA343847402.